The following is an entry in ClinVar:

ClinVar aggregate classification (germline): Uncertain significance (1 of 4 stars; one submission).

Submission:

Labcorp Genetics (formerly Invitae), Labcorp
Classification: Uncertain significance. Last evaluated: 2025-11-24. Review status: criteria provided, single submitter. Criteria: Invitae Variant Classification Sherloc (09022015). Collection method: clinical testing. Allele origin: germline.
Comment: This sequence change replaces proline, which is neutral and non-polar, with serine, which is neutral and polar, at codon 84 of the RIPPLY2 protein (p.Pro84Ser). This variant is not present in population databases (gnomAD no frequency). This variant has not been reported in the literature in individuals affected with RIPPLY2-related conditions. An algorithm developed to predict the effect of missense changes on protein structure and function (PolyPhen-2) suggests that this variant is likely to be disruptive. In summary, the available evidence is currently insufficient to determine the role of this variant in disease. Therefore, it has been classified as a Variant of Uncertain Significance.

NM_001009994.3(RIPPLY2):c.250C>T (p.Pro84Ser)

Genes: RIPPLY2 (ripply transcriptional repressor 2; plus strand), RIPPLY2-CYB5R4 (RIPPLY2-CYB5R4 readthrough; plus strand). Cytogenetic location: 6q14.2.
Variant type: single nucleotide variant.
Coding change: c.250C>T on transcript NM_001009994.3 (MANE Select); coding-DNA position 250, C replaced by T.
Protein change: p.Pro84Ser; replaces proline 84 with serine.
Molecular consequence: missense variant. On other transcripts: 3 prime UTR variant (1), non-coding transcript variant (2), intron variant (1).
Genome position (GRCh38, 1-based): chr6:83,857,252, C>T. VCF-style: chr6-83857252-C-T. GRCh37 (hg19) VCF-style: chr6-84566971-C-T.
Other names: c.313C>T, p.Pro105Ser (NM_001400899.1); c.*3087C>T (NM_001400900.1); c.-28+3091C>T (NM_001400774.1); short protein forms P105S, P84S.
Identifiers: ClinVar variation 4731692 (VCV004731692.1).